The following is an entry in ClinVar:

ClinVar aggregate classification (germline): Uncertain significance (1 of 4 stars; one submission).

Submission:

Labcorp Genetics (formerly Invitae), Labcorp
Classification: Uncertain significance. Last evaluated: 2022-02-18. Review status: criteria provided, single submitter. Criteria: Invitae Variant Classification Sherloc (09022015). Collection method: clinical testing. Allele origin: germline.
Comment: This sequence change replaces alanine, which is neutral and non-polar, with glycine, which is neutral and non-polar, at codon 1277 of the DCHS1 protein (p.Ala1277Gly). This variant is not present in population databases (gnomAD no frequency). This variant has not been reported in the literature in individuals affected with DCHS1-related conditions. Advanced modeling of protein sequence and biophysical properties (such as structural, functional, and spatial information, amino acid conservation, physicochemical variation, residue mobility, and thermodynamic stability) performed at Invitae indicates that this missense variant is not expected to disrupt DCHS1 protein function. Algorithms developed to predict the effect of sequence changes on RNA splicing suggest that this variant may create or strengthen a splice site. In summary, the available evidence is currently insufficient to determine the role of this variant in disease. Therefore, it has been classified as a Variant of Uncertain Significance.

NM_003737.4(DCHS1):c.3830C>G (p.Ala1277Gly)

Gene: DCHS1 (dachsous cadherin-related 1; minus strand). Cytogenetic location: 11p15.4.
Variant type: single nucleotide variant.
Coding change: c.3830C>G on transcript NM_003737.4 (MANE Select); coding-DNA position 3830, C replaced by G.
Protein change: p.Ala1277Gly; replaces alanine 1277 with glycine.
Molecular consequence: missense variant.
Genome position (GRCh38, 1-based): chr11:6,631,153, G>C on the plus strand (C>G on the coding strand, the complement: DCHS1 is on the minus strand). VCF-style: chr11-6631153-G-C. GRCh37 (hg19) VCF-style: chr11-6652384-G-C.
Other names: short protein forms A1277G.
Identifiers: ClinVar variation 2098387 (VCV002098387.4), dbSNP rs2493826732, ClinGen allele CA379408763.